The following is an entry in ClinVar:

ClinVar aggregate classification (germline): Uncertain significance (1 of 4 stars; one submission).

Conditions:
Schneckenbecken dysplasia. Identifiers: Orphanet 3144, MedGen C0432194, MONDO:0010013, OMIM 269250.

Allele frequency attached by ClinVar (database versions not stated): gnomAD exomes below 0.00001 and 0.00001; ExAC 0.00001; gnomAD 0.00001; 1000 Genomes Project 30x 0.00016; 1000 Genomes Project 0.00020.
gnomAD v4.1: 8 of 1,613,802 alleles (0.0005%); highest among the groups gnomAD compares: Admixed American, 0.013%; no homozygotes.

Submission:

Labcorp Genetics (formerly Invitae), Labcorp
Classification: Uncertain significance for Schneckenbecken dysplasia. Last evaluated: 2021-08-31. Review status: criteria provided, single submitter. Criteria: Invitae Variant Classification Sherloc (09022015). Collection method: clinical testing. Allele origin: germline.
Comment: This sequence change replaces glutamic acid with aspartic acid at codon 28 of the SLC35D1 protein (p.Glu28Asp). The glutamic acid residue is weakly conserved and there is a small physicochemical difference between glutamic acid and aspartic acid. The frequency data for this variant in the population databases is considered unreliable, as metrics indicate poor data quality at this position in the ExAC database. This variant has not been reported in the literature in individuals affected with SLC35D1-related conditions. Algorithms developed to predict the effect of missense changes on protein structure and function (SIFT, PolyPhen-2, Align-GVGD) all suggest that this variant is likely to be tolerated. In summary, the available evidence is currently insufficient to determine the role of this variant in disease. Therefore, it has been classified as a Variant of Uncertain Significance.

NM_015139.3(SLC35D1):c.84G>C (p.Glu28Asp)

Gene: SLC35D1 (solute carrier family 35 member D1; minus strand). Cytogenetic location: 1p31.3.
Variant type: single nucleotide variant.
Coding change: c.84G>C on transcript NM_015139.3 (MANE Select); coding-DNA position 84, G replaced by C.
Protein change: p.Glu28Asp; replaces glutamic acid 28 with aspartic acid.
Molecular consequence: missense variant.
Genome position (GRCh38, 1-based): chr1:67,053,930, C>G on the plus strand (G>C on the coding strand, the complement: SLC35D1 is on the minus strand). VCF-style: chr1-67053930-C-G. GRCh37 (hg19) VCF-style: chr1-67519613-C-G.
Other names: short protein forms E28D.
Identifiers: ClinVar variation 965733 (VCV000965733.7), dbSNP rs569279392, ClinGen allele CA899181.